The following is an entry in ClinVar:

ClinVar aggregate classification (germline): Likely benign. Review status: criteria provided, multiple submitters, no conflicts (2 of 4 stars). 2 submissions from 2 submitters: Likely benign (2). Last evaluated 2025-09-13.

Conditions:
Arrhythmogenic cardiomyopathy with wooly hair and keratoderma. Also called: PALMOPLANTAR KERATODERMA WITH LEFT VENTRICULAR CARDIOMYOPATHY AND WOOLLY HAIR; Carvajal syndrome; Dilated cardiomyopathy with woolly hair and keratoderma; Arrhythmogenic cardiomyopathy with woolly hair and keratoderma. Identifiers: Orphanet 65282, MedGen C1854063, MONDO:0011581, OMIM 605676.
Arrhythmogenic right ventricular dysplasia 8 (ARVD8). Also called: ARRHYTHMOGENIC RIGHT VENTRICULAR DYSPLASIA, FAMILIAL, 8; ARRHYTHMOGENIC RIGHT VENTRICULAR CARDIOMYOPATHY 8; Arrhythmogenic Right Ventricular Dysplasia/Cardiomyopathy 8. Identifiers: MedGen C1843896, MONDO:0011831, OMIM 607450.

Allele frequency attached by ClinVar (database versions not stated): gnomAD exomes below 0.00001.
gnomAD v4.1: 4 of 1,613,976 alleles (0.00025%); highest among the groups gnomAD compares: South Asian, 0.0011%; no homozygotes.

Submissions (2):

Labcorp Genetics (formerly Invitae), Labcorp
Classification: Likely benign for Arrhythmogenic cardiomyopathy with wooly hair and keratoderma; Arrhythmogenic right ventricular dysplasia 8. Last evaluated: 2025-09-13. Review status: criteria provided, single submitter. Criteria: Invitae Variant Classification Sherloc (09022015). Collection method: clinical testing. Allele origin: germline.

All of Us Research Program, National Institutes of Health
Classification: Likely benign for Arrhythmogenic cardiomyopathy with wooly hair and keratoderma. Last evaluated: 2023-06-26. Review status: criteria provided, single submitter. Criteria: ACMG Guidelines, 2015. Collection method: clinical testing. Allele origin: germline. Inheritance: Autosomal dominant inheritance. Observed: 1 variant allele, 1 heterozygote.
Comment: This study involves interpretation of variants in research participants for the purpose of population health screening. Participant phenotype was not available at the time of variant classification. Additional details can be found in publication PMID: 35346344, PMCID: PMC8962531

NM_004415.4(DSP):c.4539C>T (p.Asp1513=)

Gene: DSP (desmoplakin; plus strand). Cytogenetic location: 6p24.3.
Variant type: single nucleotide variant.
Coding change: c.4539C>T on transcript NM_004415.4 (MANE Select); coding-DNA position 4539, C replaced by T.
Protein change: p.Asp1513=; no amino-acid change (aspartic acid 1513 retained).
Molecular consequence: synonymous variant. On other transcripts: intron variant (2).
Genome position (GRCh38, 1-based): chr6:7,580,729, C>T. VCF-style: chr6-7580729-C-T. GRCh37 (hg19) VCF-style: chr6-7580962-C-T.
Other names: c.4050+489C>T (NM_001319034.2); c.3582+957C>T (NM_001008844.3).
Identifiers: ClinVar variation 3072203 (VCV003072203.2), dbSNP rs1759406088, ClinGen allele CA448714663.